The following is an entry in ClinVar:

NM_004006.3(DMD):c.1006G>T (p.Glu336Ter)

Gene: DMD (dystrophin; minus strand). Cytogenetic location: Xp21.1.
Variant type: single nucleotide variant.
Coding change: c.1006G>T on transcript NM_004006.3 (MANE Select); coding-DNA position 1006, G replaced by T.
Protein change: p.Glu336Ter; replaces glutamic acid 336 with a stop codon.
Molecular consequence: nonsense.
Genome position (GRCh38, 1-based): chrX:32,645,107, C>A on the plus strand (G>T on the coding strand, the complement: DMD is on the minus strand). VCF-style: chrX-32645107-C-A. GRCh37 (hg19) VCF-style: chrX-32663224-C-A.
Other names: c.982G>T, p.Glu328Ter (NM_000109.4); c.994G>T, p.Glu332Ter (NM_004009.3); c.637G>T, p.Glu213Ter (NM_004010.3); short protein forms E336*, E332*, E328*, E213*.
Identifiers: ClinVar variation 575704 (VCV000575704.14), dbSNP rs1057522454, ClinGen allele CA412662260.

ClinVar aggregate classification (germline): Pathogenic. Review status: criteria provided, multiple submitters, no conflicts (2 of 4 stars). 2 submissions from 2 submitters: Pathogenic (2). Last evaluated 2019-12-13.

Conditions:
Duchenne muscular dystrophy (DMD). Also called: MUSCULAR DYSTROPHY, PSEUDOHYPERTROPHIC PROGRESSIVE, DUCHENNE TYPE; Duchenne Muscular Dystrophy (DMD). Identifiers: Orphanet 98896, MedGen C0013264, MONDO:0010679, OMIM 310200.

Submissions (2):

Labcorp Genetics (formerly Invitae), Labcorp
Classification: Pathogenic for Duchenne muscular dystrophy. Last evaluated: 2019-12-13. Review status: criteria provided, single submitter. Criteria: Invitae Variant Classification Sherloc (09022015). Collection method: clinical testing. Allele origin: germline.
Comment: Loss-of-function variants in DMD are known to be pathogenic (PMID: 16770791, 25007885). This variant has been reported in individuals affected with Becker muscular dystrophy (BMD) or Duchenne muscular dystrophy (DMD) (PMID: 21969337, 27593222). This variant is not present in population databases (ExAC no frequency). This sequence change creates a premature translational stop signal (p.Glu336*) in the DMD gene. It is expected to result in an absent or disrupted protein product. For these reasons, this variant has been classified as Pathogenic.

Juno Genomics, Hangzhou Juno Genomics, Inc
Classification: Pathogenic for Duchenne muscular dystrophy. Review status: criteria provided, single submitter. Criteria: ACMG Guidelines, 2015. Collection method: clinical testing. Allele origin: germline. Affected: yes.
Comment: Absent from controls (or at extremely low frequency if recessive) in Genome Aggregation Database, Exome Sequencing Project, 1000 Genomes Project, or Exome Aggregation Consortium.;Null variant in a gene where loss of function (LOF) is a known mechanism of disease.;The prevalence of the variant in affected individuals is significantly increased compared to the prevalence in controls.;Patient's phenotype or family history is highly specific for a disease with a single genetic etiology.

Literature cited by the submitters: PubMed 16770791 (cited by Labcorp Genetics (formerly Invitae), Labcorp); PubMed 25007885 (cited by Labcorp Genetics (formerly Invitae), Labcorp); PubMed 21969337 (cited by Labcorp Genetics (formerly Invitae), Labcorp); PubMed 27593222 (cited by Labcorp Genetics (formerly Invitae), Labcorp).